The following is an entry in ClinVar:

NM_000540.3(RYR1):c.9989A>G (p.Asp3330Gly)

Gene: RYR1 (ryanodine receptor 1; plus strand). Cytogenetic location: 19q13.2.
Variant type: single nucleotide variant.
Coding change: c.9989A>G on transcript NM_000540.3 (MANE Select); coding-DNA position 9989, A replaced by G.
Protein change: p.Asp3330Gly; replaces aspartic acid 3330 with glycine.
Molecular consequence: missense variant.
Genome position (GRCh38, 1-based): chr19:38,517,662, A>G. VCF-style: chr19-38517662-A-G. GRCh37 (hg19) VCF-style: chr19-39008302-A-G.
Other names: c.9989A>G, p.Asp3330Gly (NM_001042723.2); short protein forms D3330G.
Identifiers: ClinVar variation 590641 (VCV000590641.5), dbSNP rs529012478, ClinGen allele CA308130019.

ClinVar aggregate classification (germline): Uncertain significance. Review status: criteria provided, multiple submitters, no conflicts (2 of 4 stars). 3 submissions from 3 submitters: Uncertain significance (3). Last evaluated 2023-06-26.

Conditions:
Inborn genetic diseases. Identifiers: MedGen C0950123, MeSH D030342.
Congenital multicore myopathy with external ophthalmoplegia (CMYO1B). Also called: MULTIMINICORE DISEASE WITH EXTERNAL OPHTHALMOPLEGIA; Congenital myopathy 1B, autosomal recessive; Minicore myopathy; Minicore myopathy with external ophthalmoplegia; MULTICORE MYOPATHY. Identifiers: Orphanet 598, Orphanet 98905, MedGen C1850674, MONDO:0009712, OMIM 255320, HP:0003789.
Congenital myopathy with fiber type disproportion. Also called: Congenital fiber-type disproportion myopathy; Congenital fiber-type disproportion. Identifiers: Orphanet 2020, MedGen C0546264, MONDO:0009711. Inheritance: all.
Malignant hyperthermia, susceptibility to, 1 (MHS1). Also called: Anesthesia related hyperthermia; Malignant hyperpyrexia; Fulminating hyperpyrexia; Pharmacogenic myopathy; RYR1-Related Malignant Hyperthermia Susceptibility; Malignant hyperthermia suceptibility 1. Identifiers: Orphanet 423, MedGen C2930980, MONDO:0007783, OMIM 145600.
Central core myopathy (CMYO1A). Also called: CONGENITAL MYOPATHY 1A, AUTOSOMAL DOMINANT, WITH SUSCEPTIBILITY TO MALIGNANT HYPERTHERMIA; Central core disease; Myopathy, central fibrillar. Identifiers: Orphanet 597, MedGen C5830701, MONDO:0007294, OMIM 117000.
King Denborough syndrome (KDS). Identifiers: MedGen C1840365, MONDO:0020485, OMIM 619542.

Allele frequency attached by ClinVar (database versions not stated): gnomAD exomes below 0.00001 and 0.00001; gnomAD 0.00001.
gnomAD v4.1: 8 of 1,613,944 alleles (0.0005%); highest among the groups gnomAD compares: Non-Finnish European, 0.00068%; no homozygotes.

Submissions (3):

Ambry Genetics
Classification: Uncertain significance for Inborn genetic diseases. Last evaluated: 2023-06-26. Review status: criteria provided, single submitter. Criteria: Ambry Variant Classification Scheme 2023. Collection method: clinical testing. Allele origin: germline.
Comment: The c.9989A>G (p.D3330G) alteration is located in exon 66 (coding exon 66) of the RYR1 gene. This alteration results from an A to G substitution at nucleotide position 9989, causing the aspartic acid (D) at amino acid position 3330 to be replaced by a glycine (G). Based on data from gnomAD, the G allele has an overall frequency of <0.001% (1/248926) total alleles studied. The highest observed frequency was 0.001% (1/111280) of European (non-Finnish) alleles. This amino acid position is highly conserved in available vertebrate species. The in silico prediction for this alteration is inconclusive. Based on insufficient or conflicting evidence, the clinical significance of this alteration remains unclear.

Fulgent Genetics
Classification: Uncertain significance for Central core myopathy; Malignant hyperthermia, susceptibility to, 1; Congenital myopathy 4A, autosomal dominant; Congenital multicore myopathy with external ophthalmoplegia; King Denborough syndrome. Last evaluated: 2021-10-09. Review status: criteria provided, single submitter. Criteria: ACMG Guidelines, 2015. Collection method: clinical testing. Allele origin: unknown.

PreventionGenetics, part of Exact Sciences
Classification: Uncertain significance. Last evaluated: 2018-08-17. Review status: criteria provided, single submitter. Criteria: ACMG Guidelines, 2015. Collection method: clinical testing. Allele origin: germline.